The following is an entry in ClinVar:

ClinVar aggregate classification (germline): Uncertain significance (1 of 4 stars; one submission).

Conditions:
Inborn genetic diseases. Identifiers: MedGen C0950123, MeSH D030342.

Submission:

Ambry Genetics
Classification: Uncertain significance for Inborn genetic diseases. Last evaluated: 2025-01-25. Review status: criteria provided, single submitter. Criteria: Ambry Variant Classification Scheme 2023. Collection method: clinical testing. Allele origin: germline.
Comment: The p.R334K variant (also known as c.1001G>A), located in coding exon 5 of the ETV6 gene, results from a G to A substitution at nucleotide position 1001. The arginine at codon 334 is replaced by lysine, an amino acid with highly similar properties. This amino acid position is conserved. In addition, this alteration is predicted to be tolerated by in silico analysis. Based on the available evidence, the clinical significance of this variant remains unclear.

NM_001987.5(ETV6):c.1001G>A (p.Arg334Lys)

Gene: ETV6 (ETS variant transcription factor 6; plus strand). Cytogenetic location: 12p13.2.
Variant type: single nucleotide variant.
Coding change: c.1001G>A on transcript NM_001987.5 (MANE Select); coding-DNA position 1001, G replaced by A.
Protein change: p.Arg334Lys; replaces arginine 334 with lysine.
Molecular consequence: missense variant.
Genome position (GRCh38, 1-based): chr12:11,869,961, G>A. VCF-style: chr12-11869961-G-A. GRCh37 (hg19) VCF-style: chr12-12022895-G-A.
Other names: c.998G>A, p.Arg333Lys (NM_001413913.1); c.974G>A, p.Arg325Lys (NM_001413914.1); c.737G>A, p.Arg246Lys (NM_001413915.1); c.1001G>A, p.Arg334Lys (NM_001413916.1, NM_001413917.1); short protein forms R334K, R333K, R325K, R246K.
Identifiers: ClinVar variation 3846517 (VCV003846517.1).
Genomic context (GRCh38, chr12:11,869,961, plus strand): 5'-ACATGAACCACATCATGGTCTCTGTCTCCCCGCCTGAAGAGCACGCCATGCCCATTGGGA[G>A]AATAGCAGGTGAGTGAGTTCCCCTCTCGCCGCTCCAGCATCATGGGGACCTGACAAAGTC-3'
Protein context (NP_001978.1, residues 324-344): PPEEHAMPIG[Arg334Lys]IADCRLLWDY